The following is an entry in ClinVar:

ClinVar aggregate classification (germline): Uncertain significance (1 of 4 stars; one submission).

Allele frequency attached by ClinVar (database versions not stated): gnomAD 0.00001; ExAC 0.00004.
gnomAD v4.1: 40 of 1,614,114 alleles (0.0025%); highest among the groups gnomAD compares: Non-Finnish European, 0.0033%; no homozygotes.

Submission:

Labcorp Genetics (formerly Invitae), Labcorp
Classification: Uncertain significance. Last evaluated: 2022-10-17. Review status: criteria provided, single submitter. Criteria: Invitae Variant Classification Sherloc (09022015). Collection method: clinical testing. Allele origin: germline.
Comment: This sequence change replaces leucine, which is neutral and non-polar, with phenylalanine, which is neutral and non-polar, at codon 583 of the SPTA1 protein (p.Leu583Phe). This variant is present in population databases (rs751501714, gnomAD 0.005%). This variant has not been reported in the literature in individuals affected with SPTA1-related conditions. Advanced modeling of protein sequence and biophysical properties (such as structural, functional, and spatial information, amino acid conservation, physicochemical variation, residue mobility, and thermodynamic stability) performed at Invitae indicates that this missense variant is not expected to disrupt SPTA1 protein function. In summary, the available evidence is currently insufficient to determine the role of this variant in disease. Therefore, it has been classified as a Variant of Uncertain Significance.

NM_003126.4(SPTA1):c.1747C>T (p.Leu583Phe)

Gene: SPTA1 (spectrin alpha, erythrocytic 1; minus strand). Cytogenetic location: 1q23.1.
Variant type: single nucleotide variant.
Coding change: c.1747C>T on transcript NM_003126.4 (MANE Select); coding-DNA position 1747, C replaced by T.
Protein change: p.Leu583Phe; replaces leucine 583 with phenylalanine.
Molecular consequence: missense variant.
Genome position (GRCh38, 1-based): chr1:158,669,494, G>A on the plus strand (C>T on the coding strand, the complement: SPTA1 is on the minus strand). VCF-style: chr1-158669494-G-A. GRCh37 (hg19) VCF-style: chr1-158639284-G-A.
Other names: short protein forms L583F.
Identifiers: ClinVar variation 2091725 (VCV002091725.4), dbSNP rs751501714, ClinGen allele CA1183630.